The following is an entry in ClinVar:

NM_000368.5(TSC1):c.492G>A (p.Trp164Ter)

Gene: TSC1 (TSC complex subunit 1; minus strand). Cytogenetic location: 9q34.13.
Variant type: single nucleotide variant.
Coding change: c.492G>A on transcript NM_000368.5 (MANE Select); coding-DNA position 492, G replaced by A.
Protein change: p.Trp164Ter; replaces tryptophan 164 with a stop codon.
Molecular consequence: nonsense.
Genome position (GRCh38, 1-based): chr9:132,923,364, C>T on the plus strand (G>A on the coding strand, the complement: TSC1 is on the minus strand). VCF-style: chr9-132923364-C-T. GRCh37 (hg19) VCF-style: chr9-135798751-C-T.
Other names: c.492G>A, p.Trp164Ter (NM_001162426.2); c.339G>A, p.Trp113Ter (NM_001162427.2); c.129G>A, p.Trp43Ter (NM_001362177.2); short protein forms W164*, W113*, W43*.
Identifiers: ClinVar variation 452870 (VCV000452870.6), dbSNP rs1554819870, ClinGen allele CA375373170.
Genomic context (GRCh38, chr9:132,923,364, plus strand): 5'-CATTCACCTCACAGGGCCCAACAGGTATATGAGGAGATCTGTACCTGGTTTCTTCAGGCA[C>T]CATGATGACAGACGGCCAAAAATGTCAAAGAAATCAAGAAGATGCTGTTTCCCAGACTGT-3'

ClinVar aggregate classification (germline): Pathogenic. Review status: criteria provided, multiple submitters, no conflicts (2 of 4 stars). 4 submissions from 4 submitters: Pathogenic (4). Last evaluated 2021-11-07.

Conditions:
TSC1-related disorder. Also called: TSC1-related condition.
Tuberous sclerosis 1 (TSC1). Identifiers: Orphanet 805, MedGen C1854465, MONDO:0008612, OMIM 191100.

Submissions (4):

Genome-Nilou Lab
Classification: Pathogenic for Tuberous sclerosis 1. Last evaluated: 2021-11-07. Review status: criteria provided, single submitter. Criteria: ACMG Guidelines, 2015. Collection method: clinical testing. Allele origin: germline. Affected: no.

Blueprint Genetics
Classification: Pathogenic for TSC1-related disorders. Last evaluated: 2021-01-08. Review status: criteria provided, single submitter. Criteria: ACMG Guidelines, 2015. Collection method: clinical testing. Allele origin: germline. Affected: yes. Observed: 1 variant allele.

Mendelics
Classification: Pathogenic for Tuberous sclerosis 1. Last evaluated: 2019-05-28. Review status: criteria provided, single submitter. Criteria: Mendelics Assertion Criteria 2017. Collection method: clinical testing. Allele origin: unknown.

GeneDx
Classification: Pathogenic. Last evaluated: 2017-10-19. Review status: criteria provided, single submitter. Criteria: GeneDx Variant Classification (06012015). Collection method: clinical testing. Allele origin: germline. Affected: yes.
Comment: The W164X nonsense variant in the TSC1 gene is predicted to cause loss of normal protein function either through protein truncation or nonsense-mediated mRNA decay. The W164X variant is not observed in large population cohorts (Lek et al., 2016).